The following is an entry in ClinVar:

NM_001003800.2(BICD2):c.826C>A (p.Leu276Met)

Gene: BICD2 (BICD cargo adaptor 2; minus strand). Cytogenetic location: 9q22.31.
Variant type: single nucleotide variant.
Coding change: c.826C>A on transcript NM_001003800.2 (MANE Select); coding-DNA position 826, C replaced by A.
Protein change: p.Leu276Met; replaces leucine 276 with methionine.
Molecular consequence: missense variant.
Genome position (GRCh38, 1-based): chr9:92,720,536, G>T on the plus strand (C>A on the coding strand, the complement: BICD2 is on the minus strand). VCF-style: chr9-92720536-G-T. GRCh37 (hg19) VCF-style: chr9-95482818-G-T.
Other names: c.826C>A, p.Leu276Met (NM_015250.4); short protein forms L276M.
Identifiers: ClinVar variation 4809924 (VCV004809924.1).

ClinVar aggregate classification (germline): Uncertain significance (1 of 4 stars; one submission).

Conditions:
Autosomal dominant childhood-onset proximal spinal muscular atrophy with contractures (SMALED2A). Also called: Spinal muscular atrophy, lower extremity-predominant, 2A, autosomal dominant; SPINAL MUSCULAR ATROPHY, LOWER EXTREMITY-PREDOMINANT, 2A, CHILDHOOD ONSET, AUTOSOMAL DOMINANT. Identifiers: Orphanet 363447, Orphanet 363454, MedGen C4747715, MONDO:0014121, OMIM 615290.

gnomAD v4.1: 1 of 1,614,216 alleles (0.000062%); highest among the groups gnomAD compares: African/African-American, 0.0013%; no homozygotes.

Submission:

Labcorp Genetics (formerly Invitae), Labcorp
Classification: Uncertain significance for Autosomal dominant childhood-onset proximal spinal muscular atrophy with contractures. Last evaluated: 2025-11-19. Review status: criteria provided, single submitter. Criteria: Invitae Variant Classification Sherloc (09022015). Collection method: clinical testing. Allele origin: germline.
Comment: This sequence change replaces leucine, which is neutral and non-polar, with methionine, which is neutral and non-polar, at codon 276 of the BICD2 protein (p.Leu276Met). This variant is not present in population databases (gnomAD no frequency). This variant has not been reported in the literature in individuals affected with BICD2-related conditions. Invitae Evidence Modeling of protein sequence and biophysical properties (such as structural, functional, and spatial information, amino acid conservation, physicochemical variation, residue mobility, and thermodynamic stability) indicates that this missense variant is not expected to disrupt BICD2 protein function with a negative predictive value of 80%. In summary, the available evidence is currently insufficient to determine the role of this variant in disease. Therefore, it has been classified as a Variant of Uncertain Significance.